The following is an entry in ClinVar:

ClinVar aggregate classification (germline): Uncertain significance (1 of 4 stars; one submission).

Allele frequency attached by ClinVar (database versions not stated): ExAC 0.00001; gnomAD exomes 0.00001 and 0.00002; TOPMed 0.00002; gnomAD 0.00003.
gnomAD v4.1: 38 of 1,613,002 alleles (0.0024%); highest among the groups gnomAD compares: Non-Finnish European, 0.0031%; no homozygotes.

Submission:

Labcorp Genetics (formerly Invitae), Labcorp
Classification: Uncertain significance. Last evaluated: 2024-10-29. Review status: criteria provided, single submitter. Criteria: Invitae Variant Classification Sherloc (09022015). Collection method: clinical testing. Allele origin: germline.
Comment: This sequence change replaces threonine, which is neutral and polar, with alanine, which is neutral and non-polar, at codon 654 of the POLR3A protein (p.Thr654Ala). This variant is present in population databases (rs764166465, gnomAD 0.002%). This variant has not been reported in the literature in individuals affected with POLR3A-related conditions. ClinVar contains an entry for this variant (Variation ID: 1063525). Invitae Evidence Modeling of protein sequence and biophysical properties (such as structural, functional, and spatial information, amino acid conservation, physicochemical variation, residue mobility, and thermodynamic stability) indicates that this missense variant is not expected to disrupt POLR3A protein function with a negative predictive value of 80%. In summary, the available evidence is currently insufficient to determine the role of this variant in disease. Therefore, it has been classified as a Variant of Uncertain Significance.

NM_007055.4(POLR3A):c.1960A>G (p.Thr654Ala)

Gene: POLR3A (RNA polymerase III subunit A; minus strand). Cytogenetic location: 10q22.3.
Variant type: single nucleotide variant.
Coding change: c.1960A>G on transcript NM_007055.4 (MANE Select); coding-DNA position 1960, A replaced by G.
Protein change: p.Thr654Ala; replaces threonine 654 with alanine.
Molecular consequence: missense variant.
Genome position (GRCh38, 1-based): chr10:78,007,816, T>C on the plus strand (A>G on the coding strand, the complement: POLR3A is on the minus strand). VCF-style: chr10-78007816-T-C. GRCh37 (hg19) VCF-style: chr10-79767574-T-C.
Other names: short protein forms T654A.
Identifiers: ClinVar variation 1063525 (VCV001063525.8), dbSNP rs764166465, ClinGen allele CA5571263.
Genomic context (GRCh38, chr10:78,007,816, plus strand): 5'-TCTGTCCCCAGTCTCGCAGCAAAATGTAAAAAATATTGTTCTTGGATCCTGACCCTAGGG[T>C]TCCTTTGTCCATGCTGCCACTCATCAACTCACTGTTCTGGATTGTAACATCTGGAAGAAT-3'
Protein context (NP_008986.2, residues 644-664): ELMSGSMDKG[Thr654Ala]LGSGSKNNIF